The following is an entry in ClinVar:

ClinVar aggregate classification (germline): Uncertain significance (1 of 4 stars; one submission).

Conditions:
IFT172-related disorder. Also called: IFT172-related disorders; IFT172-related condition.

gnomAD v4.1: 1 of 1,614,172 alleles (0.000062%); no homozygotes.

Submission:

PreventionGenetics, part of Exact Sciences
Classification: Uncertain significance for IFT172-related condition. Last evaluated: 2025-02-09. Review status: criteria provided, single submitter. Criteria: ACMG Guidelines, 2015. Collection method: clinical testing. Allele origin: germline.
Comment: The IFT172 c.1280C>A variant is predicted to result in the amino acid substitution p.Thr427Asn. To our knowledge, this variant has not been reported in the literature or in a large population database (gnomAD), indicating this variant is rare. At this time, the clinical significance of this variant is uncertain due to the absence of conclusive functional and genetic evidence.

NM_015662.3(IFT172):c.1280C>A (p.Thr427Asn)

Gene: IFT172 (intraflagellar transport 172; minus strand). Cytogenetic location: 2p23.3.
Variant type: single nucleotide variant.
Coding change: c.1280C>A on transcript NM_015662.3 (MANE Select); coding-DNA position 1280, C replaced by A.
Protein change: p.Thr427Asn; replaces threonine 427 with asparagine.
Molecular consequence: missense variant.
Genome position (GRCh38, 1-based): chr2:27,477,262, G>T on the plus strand (C>A on the coding strand, the complement: IFT172 is on the minus strand). VCF-style: chr2-27477262-G-T. GRCh37 (hg19) VCF-style: chr2-27700129-G-T.
Other names: c.1280C>A, p.Thr427Asn (NM_001410739.1); short protein forms T427N.
Identifiers: ClinVar variation 4998193 (VCV004998193.1).